The following is an entry in ClinVar:

NM_003002.4(SDHD):c.196T>C (p.Trp66Arg)

Gene: SDHD (succinate dehydrogenase complex subunit D; plus strand). Cytogenetic location: 11q23.1.
Variant type: single nucleotide variant.
Coding change: c.196T>C on transcript NM_003002.4 (MANE Select); coding-DNA position 196, T replaced by C.
Protein change: p.Trp66Arg; replaces tryptophan 66 with arginine.
Molecular consequence: missense variant. On other transcripts: non-coding transcript variant (1), intron variant (1).
Genome position (GRCh38, 1-based): chr11:112,088,893, T>C. VCF-style: chr11-112088893-T-C. GRCh37 (hg19) VCF-style: chr11-111959617-T-C.
Other names: c.79T>C, p.Trp27Arg (NM_001276504.2); c.196T>C, p.Trp66Arg (NM_001276506.2); c.169+920T>C (NM_001276503.2); short protein forms W27R, W66R.
Identifiers: ClinVar variation 2573946 (VCV002573946.2), dbSNP rs2498904614, ClinGen allele CA382617203.

ClinVar aggregate classification (germline): Uncertain significance. Review status: criteria provided, multiple submitters, no conflicts (2 of 4 stars). 2 submissions from 2 submitters: Uncertain significance (2). Last evaluated 2025-03-05.

Conditions:
Hereditary cancer-predisposing syndrome. Also called: Hereditary neoplastic syndrome; Hereditary Cancer Syndrome; Neoplastic Syndromes, Hereditary; Tumor predisposition. Identifiers: Orphanet 140162, MedGen C0027672, MeSH D009386, MONDO:0015356.

Submissions (2):

Ambry Genetics
Classification: Uncertain significance for Hereditary cancer-predisposing syndrome. Last evaluated: 2025-03-05. Review status: criteria provided, single submitter. Criteria: Ambry Variant Classification Scheme 2023. Collection method: clinical testing. Allele origin: germline.
Comment: The p.W66R variant (also known as c.196T>C), located in coding exon 3 of the SDHD gene, results from a T to C substitution at nucleotide position 196. The tryptophan at codon 66 is replaced by arginine, an amino acid with dissimilar properties. This variant was reported in individual(s) with features consistent with SDHD-related paraganglioma-pheochromocytoma syndrome (Yonamine M et al. Cancers (Basel), 2021 Aug;13:). This amino acid position is highly conserved in available vertebrate species. In addition, this alteration is predicted to be deleterious by in silico analysis. Based on the available evidence, the clinical significance of this variant remains unclear.

GeneDx
Classification: Uncertain significance. Last evaluated: 2023-01-18. Review status: criteria provided, single submitter. Criteria: GeneDx Variant Classification Process June 2021. Collection method: clinical testing. Allele origin: germline. Affected: yes.
Comment: Not observed at significant frequency in large population cohorts (gnomAD); In silico analysis supports that this missense variant has a deleterious effect on protein structure/function; Identified in individuals with pheochromocytoma or paraganglioma (Yonamine et al., 2021); This variant is associated with the following publications: (PMID: 34439168)

Literature cited by the submitters: PubMed 34439168 (cited by Ambry Genetics).